The following is an entry in ClinVar:

NM_018960.6(GNMT):c.545A>C (p.His182Pro)

Genes: CNPY3-GNMT (CNPY3-GNMT readthrough; plus strand), GNMT (glycine N-methyltransferase; plus strand). Cytogenetic location: 6p21.1.
Variant type: single nucleotide variant.
Coding change: c.545A>C on transcript NM_018960.6 (MANE Select); coding-DNA position 545, A replaced by C.
Protein change: p.His182Pro; replaces histidine 182 with proline.
Molecular consequence: missense variant. On other transcripts: intron variant (1).
Genome position (GRCh38, 1-based): chr6:42,963,165, A>C. VCF-style: chr6-42963165-A-C. GRCh37 (hg19) VCF-style: chr6-42930903-A-C.
Other names: c.347A>C, p.His116Pro (NM_001318856.2); c.362A>C, p.His121Pro (NM_001318857.2); c.488A>C, p.His163Pro (NM_001318865.2); c.269-15A>C (NM_001318858.2); short protein forms H116P, H121P, H182P, H163P.
Identifiers: ClinVar variation 1372791 (VCV001372791.6), dbSNP rs200543916, ClinGen allele CA3810735.
Genomic context (GRCh38, chr6:42,963,165, plus strand): 5'-ACATTGCGAGCATGGTGCGGGCAGGGGGCCTACTGGTCATTGATCATCGCAACTACGACC[A>C]CATCCTCAGTACAGGCTGTGCACCCCCAGGGAAGAACATCTACTATAAGGTGGGGCCCTC-3'
Protein context (NP_061833.1, residues 172-192): LLVIDHRNYD[His182Pro]ILSTGCAPPG

ClinVar aggregate classification (germline): Uncertain significance (1 of 4 stars; one submission).

Allele frequency attached by ClinVar (database versions not stated): TOPMed below 0.00001; gnomAD 0.00001; gnomAD exomes 0.00001; ExAC 0.00002; 1000 Genomes Project 30x 0.00016; 1000 Genomes Project 0.00020.
gnomAD v4.1: 4 of 1,607,264 alleles (0.00025%); highest among the groups gnomAD compares: East Asian, 0.0067%; no homozygotes.

Submission:

Labcorp Genetics (formerly Invitae), Labcorp
Classification: Uncertain significance. Last evaluated: 2022-07-12. Review status: criteria provided, single submitter. Criteria: Invitae Variant Classification Sherloc (09022015). Collection method: clinical testing. Allele origin: germline.
Comment: ClinVar contains an entry for this variant (Variation ID: 1372791). This variant has not been reported in the literature in individuals affected with GNMT-related conditions. This variant is present in population databases (rs200543916, gnomAD 0.01%). This sequence change replaces histidine with proline at codon 182 of the GNMT protein (p.His182Pro). The histidine residue is weakly conserved and there is a moderate physicochemical difference between histidine and proline. Algorithms developed to predict the effect of missense changes on protein structure and function are either unavailable or do not agree on the potential impact of this missense change (SIFT: "Not Available"; PolyPhen-2: "Benign"; Align-GVGD: "Not Available"). In summary, the available evidence is currently insufficient to determine the role of this variant in disease. Therefore, it has been classified as a Variant of Uncertain Significance.